The following is an entry in ClinVar:

NM_199437.2(PRDM10):c.405A>G (p.Glu135=)

Gene: PRDM10 (PR/SET domain 10; minus strand). Cytogenetic location: 11q24.3.
Variant type: single nucleotide variant.
Coding change: c.405A>G on transcript NM_199437.2 (MANE Select); coding-DNA position 405, A replaced by G.
Protein change: p.Glu135=; no amino-acid change (glutamic acid 135 retained).
Molecular consequence: synonymous variant. On other transcripts: 5 prime UTR variant (3).
Genome position (GRCh38, 1-based): chr11:129,947,260, T>C on the plus strand (A>G on the coding strand, the complement: PRDM10 is on the minus strand). VCF-style: chr11-129947260-T-C. GRCh37 (hg19) VCF-style: chr11-129817155-T-C.
Other names: c.405A>G, p.Glu135= (NM_001367890.1, NM_001367892.1, NM_001367893.1 and 2 more transcripts); c.345A>G, p.Glu115= (NM_001367891.1); c.-445A>G (NM_001367895.1, NM_001367896.1, NM_001367897.1); c.147A>G, p.Glu49= (NM_001367898.1, NM_001367899.1, NM_199438.2 and 1 more transcripts).
Identifiers: ClinVar variation 774479 (VCV000774479.12), dbSNP rs76174913, ClinGen allele CA6362333.
Genomic context (GRCh38, chr11:129,947,260, plus strand): 5'-CGTGTCCTCACCGTCTTCTTCCTCATCTTCCTCAGTGTCCTCGTCCTCATCCTCATCCTC[T>C]TCCTCTTTGGCCTCCAGTCTGCCTAGAGGGGTCTGCAGAGTTGCCAAAGGGTCGGACCCA-3'
Protein context (NP_955469.1, residues 125-145): TPLGRLEAKE[Glu135=]EDEDEDEDTE

ClinVar aggregate classification (germline): Benign. Review status: criteria provided, multiple submitters, no conflicts (2 of 4 stars). 3 submissions from 3 submitters: Benign (3). Last evaluated 2026-06-01.

Allele frequency attached by ClinVar (database versions not stated): 1000 Genomes Project 0.00599; 1000 Genomes Project 30x 0.00625; ExAC 0.00834; gnomAD exomes 0.00850 and 0.01166; gnomAD 0.00873 and 0.00894; ESP Exome Variant Server 0.00877; TOPMed 0.00905.
gnomAD v4.1: 18,408 of 1,614,144 alleles (1.1%); highest among the groups gnomAD compares: Non-Finnish European, 1.4%; 121 homozygotes.

Submissions (3):

CeGaT Center for Human Genetics Tuebingen
Classification: Benign. Last evaluated: 2026-06-01. Review status: criteria provided, single submitter. Criteria: CeGaT Center For Human Genetics Tuebingen Variant Classification Criteria Version 2. Collection method: clinical testing. Allele origin: germline. Affected: yes. Observed: 2 variant alleles.
Comment: PRDM10: BP4, BP7, BS1, BS2

Labcorp Genetics (formerly Invitae), Labcorp
Classification: Benign. Last evaluated: 2018-03-05. Review status: criteria provided, single submitter. Criteria: Invitae Variant Classification Sherloc (09022015). Collection method: clinical testing. Allele origin: germline.

Breakthrough Genomics
Classification: Benign. Review status: criteria provided, single submitter. Criteria: ACMG Guidelines, 2015. Collection method: not provided. Allele origin: germline. Inheritance: Unknown mechanism. Affected: yes.